The following is an entry in ClinVar:

ClinVar aggregate classification (germline): Benign. Review status: criteria provided, multiple submitters, no conflicts (2 of 4 stars). 5 submissions from 5 submitters: Benign (5). Last evaluated 2026-01-15.

Conditions:
Collagen 6-related myopathy. Identifiers: MedGen CN117976, MONDO:0100225.
Bethlem myopathy 1A. Also called: Bethlem Muscular Dystrophy; Bethlem myopathy 1; MYOPATHY, BENIGN CONGENITAL, WITH CONTRACTURES. Identifiers: Orphanet 610, MedGen CN029274, MONDO:0024530, OMIM 158810.

Allele frequency attached by ClinVar (database versions not stated): gnomAD 0.00444 and 0.00421; gnomAD exomes 0.00613; ExAC 0.00590; 1000 Genomes Project 30x 0.00640; 1000 Genomes Project 0.00679; ESP Exome Variant Server 0.00069; TOPMed 0.00193.
gnomAD v4.1: 4,471 of 1,614,148 alleles (0.28%); highest among the groups gnomAD compares: East Asian, 3.2%; 78 homozygotes.

Submissions (5):

Labcorp Genetics (formerly Invitae), Labcorp
Classification: Benign for Bethlem myopathy 1A. Last evaluated: 2026-01-15. Review status: criteria provided, single submitter. Criteria: Invitae Variant Classification Sherloc (09022015). Collection method: clinical testing. Allele origin: germline.

Mayo Clinic Laboratories, Mayo Clinic
Classification: Benign. Last evaluated: 2021-03-10. Review status: criteria provided, single submitter. Criteria: ACMG Guidelines, 2015. Collection method: clinical testing. Allele origin: germline. Observed: 3 variant alleles.

Illumina Laboratory Services, Illumina
Classification: Benign for Collagen VI-related myopathy. Last evaluated: 2018-01-13. Review status: criteria provided, single submitter. Criteria: ICSL Variant Classification Criteria 13 December 2019. Collection method: clinical testing. Allele origin: germline.
Comment: This variant was observed in the ICSL laboratory as part of a predisposition screen in an ostensibly healthy population. It had not been previously curated by ICSL or reported in the Human Gene Mutation Database (HGMD: prior to June 1st, 2018), and was therefore a candidate for classification through an automated scoring system. Utilizing variant allele frequency, disease prevalence and penetrance estimates, and inheritance mode, an automated score was calculated to assess if this variant is too frequent to cause the disease. Based on the score and internal cut-off values, a variant classified as benign is not then subjected to further curation. The score for this variant resulted in a classification of benign for this disease.

GeneDx
Classification: Benign. Last evaluated: 2016-12-07. Review status: criteria provided, single submitter. Criteria: GeneDx Variant Classification (06012015). Collection method: clinical testing. Allele origin: germline. Affected: yes.
Comment: This variant is considered likely benign or benign based on one or more of the following criteria: it is a conservative change, it occurs at a poorly conserved position in the protein, it is predicted to be benign by multiple in silico algorithms, and/or has population frequency not consistent with disease.

Eurofins Ntd Llc (ga)
Classification: Benign. Last evaluated: 2013-11-26. Review status: criteria provided, single submitter. Criteria: EGL Classification Definitions 2015. Collection method: clinical testing. Allele origin: germline. Observed: 1 variant allele, 1 heterozygote.

NM_004369.4(COL6A3):c.8735C>T (p.Pro2912Leu)

Gene: COL6A3 (collagen type VI alpha 3 chain; minus strand). Cytogenetic location: 2q37.3.
Variant type: single nucleotide variant.
Coding change: c.8735C>T on transcript NM_004369.4 (MANE Select); coding-DNA position 8735, C replaced by T.
Protein change: p.Pro2912Leu; replaces proline 2912 with leucine.
Molecular consequence: missense variant.
Genome position (GRCh38, 1-based): chr2:237,336,365, G>A on the plus strand (C>T on the coding strand, the complement: COL6A3 is on the minus strand). VCF-style: chr2-237336365-G-A. GRCh37 (hg19) VCF-style: chr2-238245008-G-A.
Other names: c.6914C>T, p.Pro2305Leu (NM_057166.5); c.8117C>T, p.Pro2706Leu (NM_057167.4); short protein forms P2305L, P2706L.
Identifiers: ClinVar variation 166936 (VCV000166936.19), dbSNP rs112928650, ClinGen allele CA179921.